The following is an entry in ClinVar:

NM_152641.4(ARID2):c.1294G>T (p.Ala432Ser)

Gene: ARID2 (AT-rich interaction domain 2; plus strand). Cytogenetic location: 12q12.
Variant type: single nucleotide variant.
Coding change: c.1294G>T on transcript NM_152641.4 (MANE Select); coding-DNA position 1294, G replaced by T.
Protein change: p.Ala432Ser; replaces alanine 432 with serine.
Molecular consequence: missense variant.
Genome position (GRCh38, 1-based): chr12:45,837,671, G>T. VCF-style: chr12-45837671-G-T. GRCh37 (hg19) VCF-style: chr12-46231454-G-T.
Other names: c.1294G>T, p.Ala432Ser (NM_001347839.2); short protein forms A432S.
Identifiers: ClinVar variation 4882854 (VCV004882854.2).

ClinVar aggregate classification (germline): Uncertain significance (1 of 4 stars; one submission).

gnomAD v4.1: 4 of 1,613,622 alleles (0.00025%); highest among the groups gnomAD compares: Admixed American, 0.0017%; no homozygotes.

Submission:

Dasa
Classification: Uncertain significance. Last evaluated: 2025-04-17. Review status: criteria provided, single submitter. Criteria: DASA Assertion Criteria. Collection method: clinical testing. Allele origin: germline.
Comment: NM_152641.4(ARID2):c.1294G>T (p.Ala432Ser) is a missense variant that results in the substitution of alanine with serine. This variant is rare in population databases. Computational prediction algorithms are consistent with a benign effect. The currently available literature and clinical evidence are not sufficient to establish a definitive association between this variant and the reported condition. Therefore, this variant is classified as a variant of uncertain significance.